The following is an entry in ClinVar:

NM_022089.4(ATP13A2):c.1633C>T (p.Arg545Cys)

Gene: ATP13A2 (ATPase cation transporting 13A2; minus strand). Cytogenetic location: 1p36.13.
Variant type: single nucleotide variant.
Coding change: c.1633C>T on transcript NM_022089.4 (MANE Select); coding-DNA position 1633, C replaced by T.
Protein change: p.Arg545Cys; replaces arginine 545 with cysteine.
Molecular consequence: missense variant.
Genome position (GRCh38, 1-based): chr1:16,993,745, G>A on the plus strand (C>T on the coding strand, the complement: ATP13A2 is on the minus strand). VCF-style: chr1-16993745-G-A. GRCh37 (hg19) VCF-style: chr1-17320240-G-A.
Other names: c.1618C>T, p.Arg540Cys (NM_001141973.3, NM_001141974.3); short protein forms R540C, R545C.
Identifiers: ClinVar variation 1477626 (VCV001477626.4), dbSNP rs750152147, ClinGen allele CA637133.

ClinVar aggregate classification (germline): Uncertain significance (1 of 4 stars; one submission).

Conditions:
Kufor-Rakeb syndrome (KRS). Also called: PARKINSON DISEASE 9, AUTOSOMAL RECESSIVE, JUVENILE-ONSET. Identifiers: Orphanet 306674, Orphanet 314632, MedGen C1847640, MONDO:0011706, OMIM 606693.
Autosomal recessive spastic paraplegia type 78. Identifiers: Orphanet 513436, MedGen C5567893, MONDO:0014975, OMIM 617225.

Allele frequency attached by ClinVar (database versions not stated): gnomAD exomes 0.00001 and 0.00002; ExAC 0.00011.
gnomAD v4.1: 10 of 1,591,450 alleles (0.00063%); highest among the groups gnomAD compares: Admixed American, 0.0035%; no homozygotes.

Submission:

Labcorp Genetics (formerly Invitae), Labcorp
Classification: Uncertain significance for Kufor-Rakeb syndrome; Autosomal recessive spastic paraplegia type 78. Last evaluated: 2023-08-25. Review status: criteria provided, single submitter. Criteria: Invitae Variant Classification Sherloc (09022015). Collection method: clinical testing. Allele origin: germline.
Comment: In summary, the available evidence is currently insufficient to determine the role of this variant in disease. Therefore, it has been classified as a Variant of Uncertain Significance. Advanced modeling of protein sequence and biophysical properties (such as structural, functional, and spatial information, amino acid conservation, physicochemical variation, residue mobility, and thermodynamic stability) performed at Invitae indicates that this missense variant is not expected to disrupt ATP13A2 protein function. ClinVar contains an entry for this variant (Variation ID: 1477626). This variant has not been reported in the literature in individuals affected with ATP13A2-related conditions. The frequency data for this variant in the population databases is considered unreliable, as metrics indicate poor data quality at this position in the gnomAD database. This sequence change replaces arginine, which is basic and polar, with cysteine, which is neutral and slightly polar, at codon 545 of the ATP13A2 protein (p.Arg545Cys).